The following is an entry in ClinVar:

NM_000146.4(FTL):c.311A>G (p.Glu104Gly)

Gene: FTL (ferritin light chain; plus strand). Cytogenetic location: 19q13.33.
Variant type: single nucleotide variant.
Coding change: c.311A>G on transcript NM_000146.4 (MANE Select); coding-DNA position 311, A replaced by G.
Protein change: p.Glu104Gly; replaces glutamic acid 104 with glycine.
Molecular consequence: missense variant.
Genome position (GRCh38, 1-based): chr19:48,966,342, A>G. VCF-style: chr19-48966342-A-G. GRCh37 (hg19) VCF-style: chr19-49469599-A-G.
Other names: short protein forms E104G.
Identifiers: ClinVar variation 1684753 (VCV001684753.6), dbSNP rs2038454487, ClinGen allele CA406756824.

ClinVar aggregate classification (germline): Uncertain significance. Review status: criteria provided, multiple submitters, no conflicts (2 of 4 stars). 2 submissions from 2 submitters: Uncertain significance (2). Last evaluated 2024-12-16.

Conditions:
Neuroferritinopathy (NBIA3). Also called: BASAL GANGLIA DISEASE, ADULT-ONSET; NEURODEGENERATION WITH BRAIN IRON ACCUMULATION 3. Identifiers: Orphanet 157846, MedGen C1853578, MONDO:0011638, OMIM 606159.
Hereditary hyperferritinemia with congenital cataracts. Also called: Hereditary hyperferritinemia cataract syndrome; Bonneau-Beaumont syndrome; HYPERFERRITINEMIA WITH OR WITHOUT CATARACT. Identifiers: Orphanet 163, MedGen C1833213, MONDO:0010952, OMIM 600886.

Allele frequency attached by ClinVar (database versions not stated): TOPMed below 0.00001.

Submissions (2):

Labcorp Genetics (formerly Invitae), Labcorp
Classification: Uncertain significance for Neuroferritinopathy; Hereditary hyperferritinemia with congenital cataracts. Last evaluated: 2024-12-16. Review status: criteria provided, single submitter. Criteria: Invitae Variant Classification Sherloc (09022015). Collection method: clinical testing. Allele origin: germline.
Comment: This sequence change replaces glutamic acid, which is acidic and polar, with glycine, which is neutral and non-polar, at codon 104 of the FTL protein (p.Glu104Gly). This variant is not present in population databases (gnomAD no frequency). This variant has not been reported in the literature in individuals affected with FTL-related conditions. ClinVar contains an entry for this variant (Variation ID: 1684753). An algorithm developed to predict the effect of missense changes on protein structure and function (PolyPhen-2) suggests that this variant is likely to be disruptive. In summary, the available evidence is currently insufficient to determine the role of this variant in disease. Therefore, it has been classified as a Variant of Uncertain Significance.

Mendelics
Classification: Uncertain significance. Last evaluated: 2022-05-04. Review status: criteria provided, single submitter. Criteria: Mendelics Assertion Criteria 2019. Collection method: clinical testing. Allele origin: germline.